The following is an entry in ClinVar:

NM_001031710.3(KLHL7):c.*730C>T

Gene: KLHL7 (kelch like family member 7; plus strand). Cytogenetic location: 7p15.3.
Variant type: single nucleotide variant.
Coding change: c.*730C>T on transcript NM_001031710.3 (MANE Select); 730 bases downstream of the stop codon, C replaced by T.
Molecular consequence: 3 prime UTR variant. On other transcripts: non-coding transcript variant (1).
Genome position (GRCh38, 1-based): chr7:23,175,028, C>T. VCF-style: chr7-23175028-C-T. GRCh37 (hg19) VCF-style: chr7-23214647-C-T.
Other names: c.*730C>T (NM_018846.5).
Identifiers: ClinVar variation 910217 (VCV000910217.4), dbSNP rs141265321, ClinGen allele CA4186725.

ClinVar aggregate classification (germline): Benign (1 of 4 stars; one submission).

Conditions:
Retinitis pigmentosa (RP). Identifiers: Orphanet 791, MedGen C0035334, MeSH D012174, MONDO:0019200, OMIM 268000. Inheritance: Autosomal dominant, autosomal recessive and X linked inheritance.

Allele frequency attached by ClinVar (database versions not stated): ExAC 0.00019; gnomAD exomes 0.00041 and 0.00063; 1000 Genomes Project 30x 0.00344; 1000 Genomes Project 0.00359; gnomAD 0.00361 and 0.00395; TOPMed 0.00379.
gnomAD v4.1: 670 of 452,278 alleles (0.15%); highest among the groups gnomAD compares: African/African-American, 1.3%; 6 homozygotes.

Submission:

Illumina Laboratory Services, Illumina
Classification: Benign for Retinitis pigmentosa. Last evaluated: 2018-01-13. Review status: criteria provided, single submitter. Criteria: ICSL Variant Classification Criteria 13 December 2019. Collection method: clinical testing. Allele origin: germline.
Comment: This variant was observed in the ICSL laboratory as part of a predisposition screen in an ostensibly healthy population. It had not been previously curated by ICSL or reported in the Human Gene Mutation Database (HGMD: prior to June 1st, 2018), and was therefore a candidate for classification through an automated scoring system. Utilizing variant allele frequency, disease prevalence and penetrance estimates, and inheritance mode, an automated score was calculated to assess if this variant is too frequent to cause the disease. Based on the score and internal cut-off values, a variant classified as benign is not then subjected to further curation. The score for this variant resulted in a classification of benign for this disease.